The following is an entry in ClinVar:

NM_000245.4(MET):c.3633-14T>C

Gene: MET (MET proto-oncogene, receptor tyrosine kinase; plus strand). Cytogenetic location: 7q31.2.
Variant type: single nucleotide variant.
Coding change: c.3633-14T>C on transcript NM_000245.4 (MANE Select); 14 bases into the intron before coding-DNA position 3633, T replaced by C.
Molecular consequence: intron variant.
Genome position (GRCh38, 1-based): chr7:116,783,290, T>C. VCF-style: chr7-116783290-T-C. GRCh37 (hg19) VCF-style: chr7-116423344-T-C.
Other names: c.3687-14T>C (NM_001127500.3); c.2343-14T>C (NM_001324402.2).
Identifiers: ClinVar variation 3773094 (VCV003773094.1).

ClinVar aggregate classification (germline): Likely benign (1 of 4 stars; one submission).

Conditions:
Papillary renal cell carcinoma type 1 (RCCP1). Also called: Renal adenocarcinoma; Renal cell carcinoma 1; Renal cell carcinoma, somatic; RENAL CELL CARCINOMA, PAPILLARY, 1, SOMATIC. Identifiers: Orphanet 47044, MedGen C1336839, OMIM 605074, HP:0011797.

Submission:

Myriad Genetics, Inc.
Classification: Likely benign for Papillary renal cell carcinoma type 1. Last evaluated: 2024-11-13. Review status: criteria provided, single submitter. Criteria: Myriad Autosomal Dominant, Autosomal Recessive and X-Linked Classification Criteria (2023). Collection method: clinical testing. Allele origin: unknown.
Comment: This variant is considered likely benign. This variant is intronic and is not expected to impact mRNA splicing.